The following is an entry in ClinVar:

NM_176894.3(P2RY13):c.564A>G (p.Pro188=)

Genes: MED12L (mediator complex subunit 12L; plus strand), P2RY13 (purinergic receptor P2Y13; minus strand). Cytogenetic location: 3q25.1.
Variant type: single nucleotide variant.
Coding change: c.564A>G on transcript NM_176894.3 (MANE Select); coding-DNA position 564, A replaced by G.
Protein change: p.Pro188=; no amino-acid change (proline 188 retained).
Molecular consequence: synonymous variant. On other transcripts: intron variant (2).
Genome position (GRCh38, 1-based): chr3:151,328,492, T>C on the plus strand (A>G on the coding strand, the complement: P2RY13 is on the minus strand). VCF-style: chr3-151328492-T-C. GRCh37 (hg19) VCF-style: chr3-151046280-T-C.
Other names: c.2251-21567T>C (NM_001393769.1); c.2146-21567T>C (NM_053002.6).
Identifiers: ClinVar variation 3778523 (VCV003778523.7).

ClinVar aggregate classification (germline): Likely benign (1 of 4 stars; one submission).

gnomAD v4.1: 115 of 1,614,034 alleles (0.0071%); highest among the groups gnomAD compares: East Asian, 0.25%; 1 homozygote.

Submission:

CeGaT Center for Human Genetics Tuebingen
Classification: Likely benign. Last evaluated: 2025-03-01. Review status: criteria provided, single submitter. Criteria: CeGaT Center For Human Genetics Tuebingen Variant Classification Criteria Version 2. Collection method: clinical testing. Allele origin: germline. Affected: yes. Observed: 1 variant allele.
Comment: P2RY13: BP4, BP7